The following is an entry in ClinVar:

ClinVar aggregate classification (germline): Uncertain significance (1 of 4 stars; one submission).

Submission:

Women's Health and Genetics/Laboratory Corporation of America, LabCorp
Classification: Uncertain significance. Last evaluated: 2024-06-06. Review status: criteria provided, single submitter. Criteria: LabCorp Variant Classification Summary - May 2015. Collection method: clinical testing. Allele origin: germline.
Comment: Variant summary: The variant involves the deletion of exons 2-2 in the SLC1A1 gene. A presumed nomenclature of c.(91+1_92-1)_(*1912_?)del has been designated for the purposes of this classification. The exact breakpoint at the distal 3' end of this variant is unknown, therefore this deletion may extend downstream of the annotated region of the gene. As it encompasses the termination codon, it is predicted to escape nonsense mediated decay (NMD). A deletion that corresponds to exons 2-12 in the SLC1A1 gene and extends further downstream (Size: ~61kbp) was found at a frequency of 6.5e-06 in 462883 control chromosomes (i.e. in 3 alleles) in the gnomAD database (CNVs v4.1 dataset; zygosity not specified in this dataset). The available data on variant occurrences in the general population are insufficient to allow any conclusion about variant significance. To our knowledge, no occurrence of c.(91+1_92-1)_(*1912_?)del in individuals affected with SLC1A1-Related Disorders and no experimental evidence demonstrating its impact on protein function have been reported. No submitters have cited clinical-significance assessments for this variant to ClinVar. Based on the evidence outlined above, the variant was classified as uncertain significance.

NC_000009.11:g.(4490771_4544566)_(4587470_?)del

Gene: SLC1A1 (solute carrier family 1 member 1; plus strand). Cytogenetic location: 9p24.2.
Variant type: Deletion.
Identifiers: ClinVar variation 3339720 (VCV003339720.1).